The following is an entry in ClinVar:

ClinVar aggregate classification (germline): Uncertain significance (1 of 4 stars; one submission).

gnomAD v4.1: 2 of 1,614,246 alleles (0.00012%); highest among the groups gnomAD compares: South Asian, 0.0022%; no homozygotes.

Submission:

Ambry Genetics
Classification: Uncertain significance. Last evaluated: 2024-05-11. Review status: criteria provided, single submitter. Criteria: Ambry Variant Classification Scheme 2023. Collection method: clinical testing. Allele origin: germline.
Comment: The p.V1107G variant (also known as c.3320T>G), located in coding exon 2 of the MLH3 gene, results from a T to G substitution at nucleotide position 3320. The valine at codon 1107 is replaced by glycine, an amino acid with dissimilar properties. This amino acid position is conserved. In addition, this alteration is predicted to be deleterious by in silico analysis. Based on the available evidence, the clinical significance of this variant remains unclear.

NM_001040108.2(MLH3):c.3320T>G (p.Val1107Gly)

Gene: MLH3 (mutL homolog 3; minus strand). Cytogenetic location: 14q24.3.
Variant type: single nucleotide variant.
Coding change: c.3320T>G on transcript NM_001040108.2 (MANE Select); coding-DNA position 3320, T replaced by G.
Protein change: p.Val1107Gly; replaces valine 1107 with glycine.
Molecular consequence: missense variant.
Genome position (GRCh38, 1-based): chr14:75,042,438, A>C on the plus strand (T>G on the coding strand, the complement: MLH3 is on the minus strand). VCF-style: chr14-75042438-A-C. GRCh37 (hg19) VCF-style: chr14-75509141-A-C.
Other names: c.3320T>G, p.Val1107Gly (NM_014381.3); short protein forms V1107G.
Identifiers: ClinVar variation 3202227 (VCV003202227.2), dbSNP rs1466170262, ClinGen allele CA390431911.